The following is an entry in ClinVar:

ClinVar aggregate classification (germline): Likely benign. Review status: criteria provided, multiple submitters, no conflicts (2 of 4 stars). 2 submissions from 2 submitters: Likely benign (2). Last evaluated 2023-08-30.

Conditions:
Dilated cardiomyopathy 1G (CMD1G). Identifiers: Orphanet 154, MedGen C1858763, MONDO:0011400, OMIM 604145.
Autosomal recessive limb-girdle muscular dystrophy type 2J (LGMDR10). Also called: Limb-girdle muscular dystrophy, type 2J; MUSCULAR DYSTROPHY, LIMB-GIRDLE, AUTOSOMAL RECESSIVE 10. Identifiers: Orphanet 140922, MedGen C1837342, MONDO:0012127, OMIM 608807.

Allele frequency attached by ClinVar (database versions not stated): gnomAD exomes below 0.00001 and 0.00001; ExAC 0.00001.
gnomAD v4.1: 4 of 1,612,306 alleles (0.00025%); highest among the groups gnomAD compares: Admixed American, 0.005%; no homozygotes.

Submissions (2):

Labcorp Genetics (formerly Invitae), Labcorp
Classification: Likely benign for Dilated cardiomyopathy 1G; Autosomal recessive limb-girdle muscular dystrophy type 2J. Last evaluated: 2023-08-30. Review status: criteria provided, single submitter. Criteria: Invitae Variant Classification Sherloc (09022015). Collection method: clinical testing. Allele origin: germline.

GeneDx
Classification: Likely benign. Last evaluated: 2016-09-01. Review status: criteria provided, single submitter. Criteria: GeneDx Variant Classification (06012015). Collection method: clinical testing. Allele origin: germline. Affected: yes.
Comment: This variant is considered likely benign or benign based on one or more of the following criteria: it is a conservative change, it occurs at a poorly conserved position in the protein, it is predicted to be benign by multiple in silico algorithms, and/or has population frequency not consistent with disease.

NM_001267550.2(TTN):c.15006T>C (p.His5002=)

Gene: TTN (titin; minus strand). Cytogenetic location: 2q31.2.
Variant type: single nucleotide variant.
Coding change: c.15006T>C on transcript NM_001267550.2 (MANE Select); coding-DNA position 15006, T replaced by C.
Protein change: p.His5002=; no amino-acid change (histidine 5002 retained).
Molecular consequence: synonymous variant. On other transcripts: intron variant (3).
Genome position (GRCh38, 1-based): chr2:178,734,918, A>G on the plus strand (T>C on the coding strand, the complement: TTN is on the minus strand). VCF-style: chr2-178734918-A-G. GRCh37 (hg19) VCF-style: chr2-179599645-A-G.
Other names: c.14055T>C, p.His4685= (NM_001256850.1); c.11274T>C, p.His3758= (NM_133378.4); c.13282+3164T>C (NM_003319.4); c.13858+3164T>C (NM_133437.4); c.13657+3164T>C (NM_133432.3).
Identifiers: ClinVar variation 379051 (VCV000379051.9), dbSNP rs771278620, ClinGen allele CA2002302.